The following is an entry in ClinVar:

NM_004329.3(BMPR1A):c.79G>A (p.Asp27Asn)

Gene: BMPR1A (bone morphogenetic protein receptor type 1A; plus strand). Cytogenetic location: 10q23.2.
Variant type: single nucleotide variant.
Coding change: c.79G>A on transcript NM_004329.3 (MANE Select); coding-DNA position 79, G replaced by A.
Protein change: p.Asp27Asn; replaces aspartic acid 27 with asparagine.
Molecular consequence: missense variant. On other transcripts: 5 prime UTR variant (5), non-coding transcript variant (3).
Genome position (GRCh38, 1-based): chr10:86,890,073, G>A. VCF-style: chr10-86890073-G-A. GRCh37 (hg19) VCF-style: chr10-88649830-G-A.
Other names: c.79G>A, p.Asp27Asn (NM_001406566.1, NM_001406567.1, NM_001406568.1 and 23 more transcripts); c.-6G>A (NM_001406584.1, NM_001406585.1, NM_001406586.1 and 2 more transcripts); short protein forms D27N.
Identifiers: ClinVar variation 3223966 (VCV003223966.2), dbSNP rs1430886611, ClinGen allele CA377446246.

ClinVar aggregate classification (germline): Uncertain significance. Review status: criteria provided, multiple submitters, no conflicts (2 of 4 stars). 2 submissions from 2 submitters: Uncertain significance (2). Last evaluated 2025-10-23.

Conditions:
Hereditary cancer-predisposing syndrome. Also called: Hereditary Cancer Syndrome; Tumor predisposition; Neoplastic Syndromes, Hereditary; Hereditary neoplastic syndrome. Identifiers: Orphanet 140162, MedGen C0027672, MeSH D009386, MONDO:0015356.
Juvenile polyposis syndrome (JPS). Identifiers: Orphanet 2929, MedGen C0345893, MONDO:0017380, OMIM 174900.

gnomAD v4.1: 1 of 1,613,016 alleles (0.000062%); no homozygotes.

Submissions (2):

Labcorp Genetics (formerly Invitae), Labcorp
Classification: Uncertain significance for Juvenile polyposis syndrome. Last evaluated: 2025-10-23. Review status: criteria provided, single submitter. Criteria: Invitae Variant Classification Sherloc (09022015). Collection method: clinical testing. Allele origin: germline.
Comment: This sequence change replaces aspartic acid, which is acidic and polar, with asparagine, which is neutral and polar, at codon 27 of the BMPR1A protein (p.Asp27Asn). This variant is not present in population databases (gnomAD no frequency). This variant has not been reported in the literature in individuals affected with BMPR1A-related conditions. ClinVar contains an entry for this variant (Variation ID: 3223966). Invitae Evidence Modeling of protein sequence and biophysical properties (such as structural, functional, and spatial information, amino acid conservation, physicochemical variation, residue mobility, and thermodynamic stability) indicates that this missense variant is not expected to disrupt BMPR1A protein function with a negative predictive value of 95%. In summary, the available evidence is currently insufficient to determine the role of this variant in disease. Therefore, it has been classified as a Variant of Uncertain Significance.

Ambry Genetics
Classification: Uncertain significance for Hereditary cancer-predisposing syndrome. Last evaluated: 2024-02-22. Review status: criteria provided, single submitter. Criteria: Ambry Variant Classification Scheme 2023. Collection method: clinical testing. Allele origin: germline.
Comment: The p.D27N variant (also known as c.79G>A), located in coding exon 2 of the BMPR1A gene, results from a G to A substitution at nucleotide position 79. The aspartic acid at codon 27 is replaced by asparagine, an amino acid with highly similar properties. This amino acid position is conserved. In addition, this alteration is predicted to be tolerated by in silico analysis. Based on the available evidence, the clinical significance of this alteration remains unclear.